The following is an entry in ClinVar:

NM_001039348.3(EFEMP1):c.1193T>C (p.Met398Thr)

Gene: EFEMP1 (EGF-like fibulin extracellular matrix protein 1; minus strand). Cytogenetic location: 2p16.1.
Variant type: single nucleotide variant.
Coding change: c.1193T>C on transcript NM_001039348.3 (MANE Select); coding-DNA position 1193, T replaced by C.
Protein change: p.Met398Thr; replaces methionine 398 with threonine.
Molecular consequence: missense variant.
Genome position (GRCh38, 1-based): chr2:55,870,847, A>G on the plus strand (T>C on the coding strand, the complement: EFEMP1 is on the minus strand). VCF-style: chr2-55870847-A-G. GRCh37 (hg19) VCF-style: chr2-56097982-A-G.
Other names: c.1193T>C, p.Met398Thr (NM_001039349.3); short protein forms M398T.
Identifiers: ClinVar variation 3678606 (VCV003678606.2).

ClinVar aggregate classification (germline): Uncertain significance (1 of 4 stars; one submission).

Submission:

Labcorp Genetics (formerly Invitae), Labcorp
Classification: Uncertain significance. Last evaluated: 2024-02-25. Review status: criteria provided, single submitter. Criteria: Invitae Variant Classification Sherloc (09022015). Collection method: clinical testing. Allele origin: germline.
Comment: This sequence change replaces methionine, which is neutral and non-polar, with threonine, which is neutral and polar, at codon 398 of the EFEMP1 protein (p.Met398Thr). This variant is not present in population databases (gnomAD no frequency). This variant has not been reported in the literature in individuals affected with EFEMP1-related conditions. Advanced modeling of protein sequence and biophysical properties (such as structural, functional, and spatial information, amino acid conservation, physicochemical variation, residue mobility, and thermodynamic stability) has been performed at Invitae for this missense variant, however the output from this modeling did not meet the statistical confidence thresholds required to predict the impact of this variant on EFEMP1 protein function. In summary, the available evidence is currently insufficient to determine the role of this variant in disease. Therefore, it has been classified as a Variant of Uncertain Significance.